The following is an entry in ClinVar:

ClinVar aggregate classification (germline): Likely benign (1 of 4 stars; one submission).

Allele frequency attached by ClinVar (database versions not stated): ESP Exome Variant Server 0.00054; TOPMed 0.00061; 1000 Genomes Project 30x 0.00016; 1000 Genomes Project 0.00020; ExAC 0.00040; gnomAD 0.00041.
gnomAD v4.1: 1,565 of 1,613,872 alleles (0.097%); highest among the groups gnomAD compares: Non-Finnish European, 0.12%; 2 homozygotes.

Submission:

CeGaT Center for Human Genetics Tuebingen
Classification: Likely benign. Last evaluated: 2023-04-01. Review status: criteria provided, single submitter. Criteria: CeGaT Center For Human Genetics Tuebingen Variant Classification Criteria Version 2. Collection method: clinical testing. Allele origin: germline. Affected: yes. Observed: 1 variant allele.
Comment: GGA2: BP4, BP7

NM_015044.4(GGA2):c.714G>A (p.Val238=)

Gene: GGA2 (golgi associated, gamma adaptin ear containing, ARF binding protein 2; minus strand). Cytogenetic location: 16p12.2.
Variant type: single nucleotide variant.
Coding change: c.714G>A on transcript NM_015044.4 (MANE Select); coding-DNA position 714, G replaced by A.
Protein change: p.Val238=; no amino-acid change (valine 238 retained).
Molecular consequence: synonymous variant.
Genome position (GRCh38, 1-based): chr16:23,486,099, C>T on the plus strand (G>A on the coding strand, the complement: GGA2 is on the minus strand). VCF-style: chr16-23486099-C-T. GRCh37 (hg19) VCF-style: chr16-23497420-C-T.
Identifiers: ClinVar variation 2646322 (VCV002646322.24), dbSNP rs200136612, ClinGen allele CA7961939.